The following is an entry in ClinVar:

ClinVar aggregate classification (germline): Uncertain significance (1 of 4 stars; one submission).

Allele frequency attached by ClinVar (database versions not stated): gnomAD exomes 0.00002; gnomAD 0.00005; ExAC 0.00002; ESP Exome Variant Server 0.00008.
gnomAD v4.1: 40 of 1,613,858 alleles (0.0025%); highest among the groups gnomAD compares: East Asian, 0.018%; no homozygotes.

Submission:

Labcorp Genetics (formerly Invitae), Labcorp
Classification: Uncertain significance. Last evaluated: 2022-07-21. Review status: criteria provided, single submitter. Criteria: Invitae Variant Classification Sherloc (09022015). Collection method: clinical testing. Allele origin: germline.
Comment: This sequence change replaces glutamic acid, which is acidic and polar, with lysine, which is basic and polar, at codon 240 of the PHYH protein (p.Glu240Lys). This variant is present in population databases (rs373512465, gnomAD 0.02%). This variant has not been reported in the literature in individuals affected with PHYH-related conditions. ClinVar contains an entry for this variant (Variation ID: 1468959). Algorithms developed to predict the effect of missense changes on protein structure and function output the following: SIFT: "Deleterious"; PolyPhen-2: "Benign"; Align-GVGD: "Class C15". The lysine amino acid residue is found in multiple mammalian species, which suggests that this missense change does not adversely affect protein function. In summary, the available evidence is currently insufficient to determine the role of this variant in disease. Therefore, it has been classified as a Variant of Uncertain Significance.

NM_006214.4(PHYH):c.718G>A (p.Glu240Lys)

Gene: PHYH (phytanoyl-CoA 2-hydroxylase; minus strand). Cytogenetic location: 10p13.
Variant type: single nucleotide variant.
Coding change: c.718G>A on transcript NM_006214.4 (MANE Select); coding-DNA position 718, G replaced by A.
Protein change: p.Glu240Lys; replaces glutamic acid 240 with lysine.
Molecular consequence: missense variant.
Genome position (GRCh38, 1-based): chr10:13,283,800, C>T on the plus strand (G>A on the coding strand, the complement: PHYH is on the minus strand). VCF-style: chr10-13283800-C-T. GRCh37 (hg19) VCF-style: chr10-13325800-C-T.
Other names: c.418G>A, p.Glu140Lys (NM_001037537.2, NM_001323080.2); c.724G>A, p.Glu242Lys (NM_001323082.2); c.454G>A, p.Glu152Lys (NM_001323083.2); c.424G>A, p.Glu142Lys (NM_001323084.2); short protein forms E242K, E152K, E140K, E240K, E142K.
Identifiers: ClinVar variation 1468959 (VCV001468959.5), dbSNP rs373512465, ClinGen allele CA5412251.